The following is an entry in ClinVar:

NM_024120.5(NDUFAF5):c.641C>T (p.Pro214Leu)

Gene: NDUFAF5 (NADH:ubiquinone oxidoreductase complex assembly factor 5; plus strand). Cytogenetic location: 20p12.1.
Variant type: single nucleotide variant.
Coding change: c.641C>T on transcript NM_024120.5 (MANE Select); coding-DNA position 641, C replaced by T.
Protein change: p.Pro214Leu; replaces proline 214 with leucine.
Molecular consequence: missense variant. On other transcripts: non-coding transcript variant (7).
Genome position (GRCh38, 1-based): chr20:13,801,607, C>T. VCF-style: chr20-13801607-C-T. GRCh37 (hg19) VCF-style: chr20-13782253-C-T.
Other names: c.557C>T, p.Pro186Leu (NM_001039375.3); c.170C>T, p.Pro57Leu (NM_001352403.2); c.80C>T, p.Pro27Leu (NM_001352406.2, NM_001352407.2); c.641C>T, p.Pro214Leu (NM_001352408.2); c.641C>T (NM_024120.4); short protein forms P214L, P27L, P186L, P57L.
Identifiers: ClinVar variation 596585 (VCV000596585.7), dbSNP rs138351379, ClinGen allele CA9767830.
Genomic context (GRCh38, chr20:13,801,607, plus strand): 5'-TCTATGAACTTCGGTGTTCCTTACAGTTAGCGGAAACGGAAAGGGAAGGAGGATTTTCTC[C>T]ACACATTTCTCCTTTCACTGCTGTCAATGACCTGGGACATCTGCTTGGGAGAGCTGGCTT-3'
Protein context (NP_077025.2, residues 204-224): AETEREGGFS[Pro214Leu]HISPFTAVND

ClinVar aggregate classification (germline): Uncertain significance. Review status: criteria provided, multiple submitters, no conflicts (2 of 4 stars). 2 submissions from 2 submitters: Uncertain significance (2). Last evaluated 2021-04-08.

Conditions:
Inborn genetic diseases. Identifiers: MedGen C0950123, MeSH D030342.

Allele frequency attached by ClinVar (database versions not stated): TOPMed 0.00003; gnomAD 0.00006; ExAC 0.00007; gnomAD exomes 0.00007 and 0.00014; ESP Exome Variant Server 0.00008.
gnomAD v4.1: 215 of 1,613,896 alleles (0.013%); highest among the groups gnomAD compares: Non-Finnish European, 0.017%; no homozygotes.

Submissions (2):

Ambry Genetics
Classification: Uncertain significance for Inborn genetic diseases. Last evaluated: 2021-04-08. Review status: criteria provided, single submitter. Criteria: Ambry Variant Classification Scheme 2023. Collection method: clinical testing. Allele origin: germline.
Comment: The c.641C>T (p.P214L) alteration is located in exon 7 (coding exon 7) of the NDUFAF5 gene. This alteration results from a C to T substitution at nucleotide position 641, causing the proline (P) at amino acid position 214 to be replaced by a leucine (L). The p.P214L alteration is predicted to be deleterious by in silico analysis. Based on insufficient or conflicting evidence, the clinical significance of this alteration remains unclear.

Eurofins Ntd Llc (ga)
Classification: Uncertain significance. Last evaluated: 2018-03-15. Review status: criteria provided, single submitter. Criteria: EGL ClinVar v180209 classification definitions. Collection method: clinical testing. Allele origin: germline. Observed: 1 variant allele, 1 heterozygote.